The following is an entry in ClinVar:

NM_015274.3(MAN2B2):c.1339C>G (p.Arg447Gly)

Gene: MAN2B2 (mannosidase alpha class 2B member 2; plus strand). Cytogenetic location: 4p16.1.
Variant type: single nucleotide variant.
Coding change: c.1339C>G on transcript NM_015274.3 (MANE Select); coding-DNA position 1339, C replaced by G.
Protein change: p.Arg447Gly; replaces arginine 447 with glycine.
Molecular consequence: missense variant.
Genome position (GRCh38, 1-based): chr4:6,598,288, C>G. VCF-style: chr4-6598288-C-G. GRCh37 (hg19) VCF-style: chr4-6600015-C-G.
Other names: c.1186C>G, p.Arg396Gly (NM_001292038.2); c.1339C>G (NM_015274.2); short protein forms R396G, R447G.
Identifiers: ClinVar variation 3024978 (VCV003024978.24), dbSNP rs149169745, ClinGen allele CA2840899.

ClinVar aggregate classification (germline): Uncertain significance. Review status: criteria provided, multiple submitters, no conflicts (2 of 4 stars). 3 submissions from 3 submitters: Uncertain significance (2). 1 of the submissions does not count toward it. Last evaluated 2026-01-23.

Conditions:
MAN2B2-related disorder. Also called: MAN2B2-related condition; MAN2B2-Related Disorders.

Allele frequency attached by ClinVar (database versions not stated): ESP Exome Variant Server 0.00085; 1000 Genomes Project 30x 0.00125; 1000 Genomes Project 0.00140.
gnomAD v4.1: 2,086 of 1,613,594 alleles (0.13%); highest among the groups gnomAD compares: Admixed American, 0.16%; 4 homozygotes.

Submissions (3):

Women's Health and Genetics/Laboratory Corporation of America, LabCorp
Classification: Uncertain significance. Last evaluated: 2026-01-23. Review status: criteria provided, single submitter. Criteria: LabCorp Variant Classification Summary - May 2015. Collection method: clinical testing. Allele origin: germline.

CeGaT Center for Human Genetics Tuebingen
Classification: Uncertain significance. Last evaluated: 2024-01-01. Review status: criteria provided, single submitter. Criteria: CeGaT Center For Human Genetics Tuebingen Variant Classification Criteria Version 2. Collection method: clinical testing. Allele origin: germline. Affected: yes. Observed: 1 variant allele.
Comment: MAN2B2: PM2, BP4

PreventionGenetics, part of Exact Sciences
Classification: Likely benign for MAN2B2-related condition. Last evaluated: 2023-05-25. Review status: no assertion criteria provided. Collection method: clinical testing. Allele origin: germline. Not counted in ClinVar's aggregate classification.
Comment: This variant is classified as likely benign based on ACMG/AMP sequence variant interpretation guidelines (Richards et al. 2015 PMID: 25741868, with internal and published modifications).